The following is an entry in ClinVar:

ClinVar aggregate classification (germline): Uncertain significance (1 of 4 stars; one submission).

Allele frequency attached by ClinVar (database versions not stated): ExAC 0.00006; gnomAD 0.00015; TOPMed 0.00024.
gnomAD v4.1: 116 of 1,612,920 alleles (0.0072%); highest among the groups gnomAD compares: Admixed American, 0.077%; no homozygotes.

Submission:

Labcorp Genetics (formerly Invitae), Labcorp
Classification: Uncertain significance. Last evaluated: 2022-10-17. Review status: criteria provided, single submitter. Criteria: Invitae Variant Classification Sherloc (09022015). Collection method: clinical testing. Allele origin: germline.
Comment: This sequence change replaces aspartic acid, which is acidic and polar, with histidine, which is basic and polar, at codon 283 of the NT5C3A protein (p.Asp283His). This variant is present in population databases (rs72555750, gnomAD 0.06%). This variant has not been reported in the literature in individuals affected with NT5C3A-related conditions. Advanced modeling of protein sequence and biophysical properties (such as structural, functional, and spatial information, amino acid conservation, physicochemical variation, residue mobility, and thermodynamic stability) performed at Invitae indicates that this missense variant is expected to disrupt NT5C3A protein function. Experimental studies have shown that this missense change affects NT5C3A function (PMID: 19623099). In summary, the available evidence is currently insufficient to determine the role of this variant in disease. Therefore, it has been classified as a Variant of Uncertain Significance.

Literature cited by the submitters: PubMed 19623099.

NM_001002010.5(NT5C3A):c.949G>C (p.Asp317His)

Gene: NT5C3A (5'-nucleotidase, cytosolic IIIA; minus strand). Cytogenetic location: 7p14.3.
Variant type: single nucleotide variant.
Coding change: c.949G>C on transcript NM_001002010.5 (MANE Select); coding-DNA position 949, G replaced by C.
Protein change: p.Asp317His; replaces aspartic acid 317 with histidine.
Molecular consequence: missense variant.
Genome position (GRCh38, 1-based): chr7:33,014,777, C>G on the plus strand (G>C on the coding strand, the complement: NT5C3A is on the minus strand). VCF-style: chr7-33014777-C-G. GRCh37 (hg19) VCF-style: chr7-33054389-C-G.
Other names: c.847G>C, p.Asp283His (NM_001002009.3, NM_016489.14); c.811G>C, p.Asp271His (NM_001166118.3, NM_001356996.3, NM_001374336.1 and 1 more transcripts); c.850G>C, p.Asp284His (NM_001374335.1); c.748G>C, p.Asp250His (NM_001374338.1, NM_001374339.1); short protein forms D250H, D283H, D271H, D284H, D317H.
Identifiers: ClinVar variation 2062752 (VCV002062752.1), dbSNP rs72555750, ClinGen allele CA4213272.